The following is an entry in ClinVar:

ClinVar aggregate classification (germline): Uncertain significance. Review status: criteria provided, multiple submitters, no conflicts (2 of 4 stars). 2 submissions from 2 submitters: Uncertain significance (2). Last evaluated 2026-07-20.

Conditions:
NRP1-related disorder. Also called: NRP1-related condition.

Allele frequency attached by ClinVar (database versions not stated): gnomAD 0.00008; ExAC 0.00010; gnomAD exomes 0.00010; TOPMed 0.00013.
gnomAD v4.1: 162 of 1,613,986 alleles (0.01%); highest among the groups gnomAD compares: Admixed American, 0.032%; no homozygotes.

Submissions (2):

PreventionGenetics, part of Exact Sciences
Classification: Uncertain significance for NRP1-related condition. Last evaluated: 2026-07-20. Review status: criteria provided, single submitter. Criteria: ACMG Guidelines, 2015. Collection method: clinical testing. Allele origin: germline.
Comment: The NRP1 c.2262G>A variant is predicted to result in the amino acid substitution p.Met754Ile. To our knowledge, this variant has not been reported in the literature. This variant is reported in 0.017% of alleles in individuals of Latino descent in gnomAD. At this time, the clinical significance of this variant is uncertain due to the absence of conclusive functional and genetic evidence.

Ambry Genetics
Classification: Uncertain significance. Last evaluated: 2024-02-26. Review status: criteria provided, single submitter. Criteria: Ambry Variant Classification Scheme 2023. Collection method: clinical testing. Allele origin: germline.

NM_003873.7(NRP1):c.2262G>A (p.Met754Ile)

Gene: NRP1 (neuropilin 1; minus strand). Cytogenetic location: 10p11.22.
Variant type: single nucleotide variant.
Coding change: c.2262G>A on transcript NM_003873.7 (MANE Select); coding-DNA position 2262, G replaced by A.
Protein change: p.Met754Ile; replaces methionine 754 with isoleucine.
Molecular consequence: missense variant. On other transcripts: non-coding transcript variant (1).
Genome position (GRCh38, 1-based): chr10:33,186,289, C>T on the plus strand (G>A on the coding strand, the complement: NRP1 is on the minus strand). VCF-style: chr10-33186289-C-T. GRCh37 (hg19) VCF-style: chr10-33475217-C-T.
Other names: c.2244G>A, p.Met748Ile (NM_001244972.2); c.2241G>A, p.Met747Ile (NM_001244973.2); c.2262G>A, p.Met754Ile (NM_001330068.2); short protein forms M747I, M748I, M754I.
Identifiers: ClinVar variation 3036556 (VCV003036556.4), dbSNP rs780027653, ClinGen allele CA5466227.